The following is an entry in ClinVar:

ClinVar aggregate classification (germline): Uncertain significance (1 of 4 stars; one submission).

gnomAD v4.1: 17 of 1,613,994 alleles (0.0011%); highest among the groups gnomAD compares: Admixed American, 0.0017%; no homozygotes.

Submission:

Labcorp Genetics (formerly Invitae), Labcorp
Classification: Uncertain significance. Last evaluated: 2024-04-17. Review status: criteria provided, single submitter. Criteria: Invitae Variant Classification Sherloc (09022015). Collection method: clinical testing. Allele origin: germline.
Comment: This sequence change replaces glycine, which is neutral and non-polar, with arginine, which is basic and polar, at codon 700 of the HYOU1 protein (p.Gly700Arg). This variant is present in population databases (rs782784022, gnomAD 0.003%). This variant has not been reported in the literature in individuals affected with HYOU1-related conditions. An algorithm developed to predict the effect of missense changes on protein structure and function (PolyPhen-2) suggests that this variant is likely to be tolerated. In summary, the available evidence is currently insufficient to determine the role of this variant in disease. Therefore, it has been classified as a Variant of Uncertain Significance.

NM_006389.5(HYOU1):c.2098G>A (p.Gly700Arg)

Gene: HYOU1 (hypoxia up-regulated 1; minus strand). Cytogenetic location: 11q23.3.
Variant type: single nucleotide variant.
Coding change: c.2098G>A on transcript NM_006389.5 (MANE Select); coding-DNA position 2098, G replaced by A.
Protein change: p.Gly700Arg; replaces glycine 700 with arginine.
Molecular consequence: missense variant.
Genome position (GRCh38, 1-based): chr11:119,048,781, C>T on the plus strand (G>A on the coding strand, the complement: HYOU1 is on the minus strand). VCF-style: chr11-119048781-C-T. GRCh37 (hg19) VCF-style: chr11-118919493-C-T.
Other names: c.2098G>A, p.Gly700Arg (NM_001130991.3, NM_001411041.1); short protein forms G700R.
Identifiers: ClinVar variation 3606610 (VCV003606610.2).